The following is an entry in ClinVar:

ClinVar aggregate classification (germline): Uncertain significance (1 of 4 stars; one submission).

Conditions:
Bartter disease type 2. Also called: Bartter syndrome, type 2, antenatal; HYPERPROSTAGLANDIN E SYNDROME 2; HYPOKALEMIC ALKALOSIS WITH HYPERCALCIURIA 2, ANTENATAL. Identifiers: Orphanet 112, Orphanet 620220, MedGen C1855849, MONDO:0009424, OMIM 241200.

Submission:

MVZ Medizinische Genetik Mainz
Classification: Uncertain significance for Bartter disease type 2. Last evaluated: 2024-02-01. Review status: criteria provided, single submitter. Criteria: UK Practice Guidelines For Variant Classification V4 01 2020. Collection method: clinical testing. Allele origin: germline. Inheritance: Autosomal recessive inheritance. Affected: yes. Observed: 1 variant allele.
Comment: ACMG Criteria: PP3_STR,PM2_SUP

NM_153766.3(KCNJ1):c.484A>G (p.Lys162Glu)

Gene: KCNJ1 (potassium inwardly rectifying channel subfamily J member 1; minus strand). Cytogenetic location: 11q24.3.
Variant type: single nucleotide variant.
Coding change: c.484A>G on transcript NM_153766.3 (MANE Select); coding-DNA position 484, A replaced by G.
Protein change: p.Lys162Glu; replaces lysine 162 with glutamic acid.
Molecular consequence: missense variant.
Genome position (GRCh38, 1-based): chr11:128,839,760, T>C on the plus strand (A>G on the coding strand, the complement: KCNJ1 is on the minus strand). VCF-style: chr11-128839760-T-C. GRCh37 (hg19) VCF-style: chr11-128709655-T-C.
Other names: c.541A>G, p.Lys181Glu (NM_000220.6); c.484A>G, p.Lys162Glu (NM_153764.3, NM_153767.4); c.535A>G, p.Lys179Glu (NM_153765.3); short protein forms K162E, K179E, K181E.
Identifiers: ClinVar variation 3256663 (VCV003256663.1).